The following is an entry in ClinVar:

ClinVar aggregate classification (germline): Uncertain significance (1 of 4 stars; one submission).

Conditions:
Joubert syndrome 8 (JBTS8). Identifiers: Orphanet 475, MedGen C2676771, MONDO:0012855, OMIM 612291.

Allele frequency attached by ClinVar (database versions not stated): TOPMed 0.00001.

Submission:

Labcorp Genetics (formerly Invitae), Labcorp
Classification: Uncertain significance for Joubert syndrome 8. Last evaluated: 2018-06-07. Review status: criteria provided, single submitter. Criteria: Invitae Variant Classification Sherloc (09022015). Collection method: clinical testing. Allele origin: germline.
Comment: In summary, the available evidence is currently insufficient to determine the role of this variant in disease. Therefore, it has been classified as a Variant of Uncertain Significance. Algorithms developed to predict the effect of missense changes on protein structure and function (SIFT, PolyPhen-2, Align-GVGD) all suggest that this variant is likely to be tolerated, but these predictions have not been confirmed by published functional studies and their clinical significance is uncertain. This variant has not been reported in the literature in individuals with ARL13B-related disease. This variant is not present in population databases (ExAC no frequency). This sequence change replaces glutamic acid with lysine at codon 228 of the ARL13B protein (p.Glu228Lys). The glutamic acid residue is highly conserved and there is a small physicochemical difference between glutamic acid and lysine.

NM_001174150.2(ARL13B):c.682G>A (p.Glu228Lys)

Gene: ARL13B (ARF like GTPase 13B; plus strand). Cytogenetic location: 3q11.2.
Variant type: single nucleotide variant.
Coding change: c.682G>A on transcript NM_001174150.2 (MANE Select); coding-DNA position 682, G replaced by A.
Protein change: p.Glu228Lys; replaces glutamic acid 228 with lysine.
Molecular consequence: missense variant. On other transcripts: non-coding transcript variant (2).
Genome position (GRCh38, 1-based): chr3:94,036,747, G>A. VCF-style: chr3-94036747-G-A. GRCh37 (hg19) VCF-style: chr3-93755591-G-A.
Other names: c.373G>A, p.Glu125Lys (NM_001174151.2); c.637G>A, p.Glu213Lys (NM_001321328.2); c.361G>A, p.Glu121Lys (NM_144996.4); c.682G>A, p.Glu228Lys (NM_182896.3); short protein forms E228K, E213K, E125K, E121K.
Identifiers: ClinVar variation 581649 (VCV000581649.4), dbSNP rs752848590, ClinGen allele CA353678522.
Genomic context (GRCh38, chr3:94,036,747, plus strand): 5'-CAGCGTGCTCTTGAGGAACAAGAGAAACAAGAAAGAGCTGAACGAGTGCGAAAATTACGA[G>A]AAGAAAGGTAAGTAGATTAATTTTGTACCACAGTGCATTTGAAGGATCAAAAACATAACA-3'
Protein context (NP_001167621.1, residues 218-238): ERAERVRKLR[Glu228Lys]ERKQNEQEQA